The following is an entry in ClinVar:

NM_014384.3(ACAD8):c.250C>G (p.Leu84Val)

Gene: ACAD8 (acyl-CoA dehydrogenase family member 8; plus strand). Cytogenetic location: 11q25.
Variant type: single nucleotide variant.
Coding change: c.250C>G on transcript NM_014384.3 (MANE Select); coding-DNA position 250, C replaced by G.
Protein change: p.Leu84Val; replaces leucine 84 with valine.
Molecular consequence: missense variant.
Genome position (GRCh38, 1-based): chr11:134,257,127, C>G. VCF-style: chr11-134257127-C-G. GRCh37 (hg19) VCF-style: chr11-134127021-C-G.
Other names: short protein forms L84V.
Identifiers: ClinVar variation 536740 (VCV000536740.9), dbSNP rs1330918776, ClinGen allele CA383512918.

ClinVar aggregate classification (germline): Uncertain significance. Review status: criteria provided, multiple submitters, no conflicts (2 of 4 stars). 2 submissions from 2 submitters: Uncertain significance (2). Last evaluated 2024-08-12.

Conditions:
Deficiency of isobutyryl-CoA dehydrogenase. Also called: ACYL-CoA DEHYDROGENASE FAMILY, MEMBER 8, DEFICIENCY OF; IBD DEFICIENCY; ACAD8 DEFICIENCY. Identifiers: Orphanet 79159, MedGen C1969809, MONDO:0012648, OMIM 611283.

Allele frequency attached by ClinVar (database versions not stated): gnomAD 0.00001.
gnomAD v4.1: 1 of 1,614,062 alleles (0.000062%); highest among the groups gnomAD compares: Admixed American, 0.0017%; no homozygotes.

Submissions (2):

GeneDx
Classification: Uncertain significance. Last evaluated: 2024-08-12. Review status: criteria provided, single submitter. Criteria: GeneDx Variant Classification Process June 2021. Collection method: clinical testing. Allele origin: germline. Affected: yes.
Comment: Not observed at significant frequency in large population cohorts (gnomAD); In silico analysis supports that this missense variant has a deleterious effect on protein structure/function; In silico analysis also supports a deleterious effect on splicing; Has not been previously published as pathogenic or benign to our knowledge

Labcorp Genetics (formerly Invitae), Labcorp
Classification: Uncertain significance for Deficiency of isobutyryl-CoA dehydrogenase. Last evaluated: 2017-12-19. Review status: criteria provided, single submitter. Criteria: Invitae Variant Classification Sherloc (09022015). Collection method: clinical testing. Allele origin: germline.
Comment: In summary, the available evidence is currently insufficient to determine the role of this variant in disease. Therefore, it has been classified as a Variant of Uncertain Significance. Algorithms developed to predict the effect of sequence changes on RNA splicing suggest that this variant may create or strengthen a splice site, but this prediction has not been confirmed by published transcriptional studies. Algorithms developed to predict the effect of missense changes on protein structure and function do not agree on the potential impact of this missense change (SIFT: "Deleterious"; PolyPhen-2: "Benign"; Align-GVGD: "Class C0"). This variant has not been reported in the literature in individuals with ACAD8-related disease. This variant is not present in population databases (ExAC no frequency). This sequence change replaces leucine with valine at codon 84 of the ACAD8 protein (p.Leu84Val). The leucine residue is highly conserved and there is a small physicochemical difference between leucine and valine.